The following is an entry in ClinVar:

NM_001136191.3(KANK2):c.1010G>A (p.Arg337Gln)

Gene: KANK2 (KN motif and ankyrin repeat domains 2; minus strand). Cytogenetic location: 19p13.2.
Variant type: single nucleotide variant.
Coding change: c.1010G>A on transcript NM_001136191.3 (MANE Select); coding-DNA position 1010, G replaced by A.
Protein change: p.Arg337Gln; replaces arginine 337 with glutamine.
Molecular consequence: missense variant.
Genome position (GRCh38, 1-based): chr19:11,193,070, C>T on the plus strand (G>A on the coding strand, the complement: KANK2 is on the minus strand). VCF-style: chr19-11193070-C-T. GRCh37 (hg19) VCF-style: chr19-11303746-C-T.
Other names: c.1010G>A, p.Arg337Gln (NM_001329451.2, NM_001379548.1, NM_001379549.1 and 15 more transcripts); short protein forms R337Q.
Identifiers: ClinVar variation 2512213 (VCV002512213.5), dbSNP rs369636439, ClinGen allele CA9205919.

ClinVar aggregate classification (germline): Conflicting classifications of pathogenicity. Review status: criteria provided, conflicting classifications (1 of 4 stars). 2 submissions from 2 submitters: Uncertain significance (1); Likely benign (1). Last evaluated 2025-06-13.

Allele frequency attached by ClinVar (database versions not stated): ExAC 0.00005; gnomAD 0.00005; gnomAD exomes 0.00007; TOPMed 0.00010; ESP Exome Variant Server 0.00015.
gnomAD v4.1: 108 of 1,610,128 alleles (0.0067%); highest among the groups gnomAD compares: Non-Finnish European, 0.0085%; no homozygotes.

Submissions (2):

Ambry Genetics
Classification: Likely benign. Last evaluated: 2025-06-13. Review status: criteria provided, single submitter. Criteria: Ambry Variant Classification Scheme 2023. Collection method: clinical testing. Allele origin: germline.

Labcorp Genetics (formerly Invitae), Labcorp
Classification: Uncertain significance. Last evaluated: 2024-05-02. Review status: criteria provided, single submitter. Criteria: Invitae Variant Classification Sherloc (09022015). Collection method: clinical testing. Allele origin: germline.
Comment: This sequence change replaces arginine, which is basic and polar, with glutamine, which is neutral and polar, at codon 337 of the KANK2 protein (p.Arg337Gln). This variant is present in population databases (rs369636439, gnomAD 0.009%). This variant has not been reported in the literature in individuals affected with KANK2-related conditions. ClinVar contains an entry for this variant (Variation ID: 2512213). An algorithm developed to predict the effect of missense changes on protein structure and function (PolyPhen-2) suggests that this variant is likely to be disruptive. In summary, the available evidence is currently insufficient to determine the role of this variant in disease. Therefore, it has been classified as a Variant of Uncertain Significance.